The following is an entry in ClinVar:

NM_080680.3(COL11A2):c.606+11C>T

Gene: COL11A2 (collagen type XI alpha 2 chain; minus strand). Cytogenetic location: 6p21.32.
Variant type: single nucleotide variant.
Coding change: c.606+11C>T on transcript NM_080680.3 (MANE Select); 11 bases into the intron after coding-DNA position 606, C replaced by T.
Molecular consequence: intron variant.
Genome position (GRCh38, 1-based): chr6:33,188,351, G>A on the plus strand (C>T on the coding strand, the complement: COL11A2 is on the minus strand). VCF-style: chr6-33188351-G-A. GRCh37 (hg19) VCF-style: chr6-33156128-G-A.
Other names: c.606+11C>T (NM_080679.3, NM_080681.3, NM_001163771.2).
Identifiers: ClinVar variation 680858 (VCV000680858.10), dbSNP rs368302768, ClinGen allele CA3751627.

ClinVar aggregate classification (germline): Likely benign. Review status: criteria provided, multiple submitters, no conflicts (2 of 4 stars). 3 submissions from 3 submitters: Likely benign (3). Last evaluated 2026-01-19.

Allele frequency attached by ClinVar (database versions not stated): gnomAD 0.00003; ExAC 0.00004; TOPMed 0.00005; gnomAD exomes 0.00006; ESP Exome Variant Server 0.00012.
gnomAD v4.1: 69 of 1,613,034 alleles (0.0043%); highest among the groups gnomAD compares: Middle Eastern, 0.066%; no homozygotes.

Submissions (3):

Labcorp Genetics (formerly Invitae), Labcorp
Classification: Likely benign. Last evaluated: 2026-01-19. Review status: criteria provided, single submitter. Criteria: Invitae Variant Classification Sherloc (09022015). Collection method: clinical testing. Allele origin: germline.

Blueprint Genetics
Classification: Likely benign. Last evaluated: 2024-11-15. Review status: criteria provided, single submitter. Criteria: ACMG Guidelines, 2015. Collection method: clinical testing. Allele origin: germline.

GeneDx
Classification: Likely benign. Last evaluated: 2018-03-16. Review status: criteria provided, single submitter. Criteria: GeneDx Variant Classification (06012015). Collection method: clinical testing. Allele origin: germline. Affected: yes.
Comment: This variant is considered likely benign or benign based on one or more of the following criteria: it is a conservative change, it occurs at a poorly conserved position in the protein, it is predicted to be benign by multiple in silico algorithms, and/or has population frequency not consistent with disease.